The following is an entry in ClinVar:

ClinVar aggregate classification (germline): Uncertain significance (1 of 4 stars; one submission).

Allele frequency attached by ClinVar (database versions not stated): gnomAD 0.00003; TOPMed 0.00003; ExAC 0.00012.
gnomAD v4.1: 11 of 1,293,450 alleles (0.00085%); highest among the groups gnomAD compares: African/African-American, 0.0031%; no homozygotes.

Submission:

Labcorp Genetics (formerly Invitae), Labcorp
Classification: Uncertain significance. Last evaluated: 2022-05-16. Review status: criteria provided, single submitter. Criteria: Invitae Variant Classification Sherloc (09022015). Collection method: clinical testing. Allele origin: germline.
Comment: In summary, the available evidence is currently insufficient to determine the role of this variant in disease. Therefore, it has been classified as a Variant of Uncertain Significance. Algorithms developed to predict the effect of missense changes on protein structure and function output the following: SIFT: "Tolerated"; PolyPhen-2: "Benign"; Align-GVGD: "Class C0". The cysteine amino acid residue is found in multiple mammalian species, which suggests that this missense change does not adversely affect protein function. This variant has not been reported in the literature in individuals affected with DONSON-related conditions. This variant is not present in population databases (gnomAD no frequency). This sequence change replaces arginine, which is basic and polar, with cysteine, which is neutral and slightly polar, at codon 99 of the DONSON protein (p.Arg99Cys).

NM_017613.4(DONSON):c.295C>T (p.Arg99Cys)

Gene: DONSON (DNA replication fork stabilization factor DONSON; minus strand). Cytogenetic location: 21q22.11.
Variant type: single nucleotide variant.
Coding change: c.295C>T on transcript NM_017613.4 (MANE Select); coding-DNA position 295, C replaced by T.
Protein change: p.Arg99Cys; replaces arginine 99 with cysteine.
Molecular consequence: missense variant.
Genome position (GRCh38, 1-based): chr21:33,588,347, G>A on the plus strand (C>T on the coding strand, the complement: DONSON is on the minus strand). VCF-style: chr21-33588347-G-A. GRCh37 (hg19) VCF-style: chr21-34960653-G-A.
Other names: short protein forms R99C.
Identifiers: ClinVar variation 1937154 (VCV001937154.4), dbSNP rs755238849, ClinGen allele CA10010659.
Genomic context (GRCh38, chr21:33,588,347, plus strand): 5'-GAGCCCCTTGGCGGCCAGGCTACAAGACACTCACCGGGACCGGGGCCTCCGGCTGCTCGC[G>A]GGCCGGCCCGTCGGGGGGCTCCGCGGCGACCCGCGGTCGGTTGTCCAGGCGGGCGAAGGG-3'
Protein context (NP_060083.1, residues 89-109): VAAEPPDGPA[Arg99Cys]EQPEAPVPFL